The following is an entry in ClinVar:

NM_012156.2(EPB41L1):c.213C>T (p.Ala71=)

Gene: EPB41L1 (erythrocyte membrane protein band 4.1 like 1; plus strand). Cytogenetic location: 20q11.23.
Variant type: single nucleotide variant.
Coding change: c.213C>T on transcript NM_012156.2 (MANE Select); coding-DNA position 213, C replaced by T.
Protein change: p.Ala71=; no amino-acid change (alanine 71 retained).
Molecular consequence: synonymous variant.
Genome position (GRCh38, 1-based): chr20:36,175,586, C>T. VCF-style: chr20-36175586-C-T. GRCh37 (hg19) VCF-style: chr20-34763508-C-T.
Other names: c.213C>T, p.Ala71= (NM_001258329.1, NM_001424382.1, NM_001424383.1 and 13 more transcripts); c.120C>T, p.Ala40= (NM_001258330.1); c.27C>T, p.Ala9= (NM_001258331.2, NM_001424373.1, NM_001424374.1 and 19 more transcripts).
Identifiers: ClinVar variation 2652288 (VCV002652288.24), dbSNP rs191128724, ClinGen allele CA9839538.

ClinVar aggregate classification (germline): Likely benign (1 of 4 stars; one submission).

Allele frequency attached by ClinVar (database versions not stated): gnomAD 0.00001; TOPMed 0.00001; gnomAD exomes 0.00002; ExAC 0.00004; 1000 Genomes Project 30x 0.00016; 1000 Genomes Project 0.00020.
gnomAD v4.1: 25 of 1,614,186 alleles (0.0015%); highest among the groups gnomAD compares: Middle Eastern, 0.016%; no homozygotes.

Submission:

CeGaT Center for Human Genetics Tuebingen
Classification: Likely benign. Last evaluated: 2022-12-01. Review status: criteria provided, single submitter. Criteria: CeGaT Center For Human Genetics Tuebingen Variant Classification Criteria Version 2. Collection method: clinical testing. Allele origin: germline. Affected: yes. Observed: 1 variant allele.
Comment: EPB41L1: BP4, BP7